The following is an entry in ClinVar:

NM_001111125.3(IQSEC2):c.1886A>G (p.His629Arg)

Gene: IQSEC2 (IQ motif and Sec7 domain ArfGEF 2; minus strand). Cytogenetic location: Xp11.22.
Variant type: single nucleotide variant.
Coding change: c.1886A>G on transcript NM_001111125.3 (MANE Select); coding-DNA position 1886, A replaced by G.
Protein change: p.His629Arg; replaces histidine 629 with arginine.
Molecular consequence: missense variant.
Genome position (GRCh38, 1-based): chrX:53,250,690, T>C on the plus strand (A>G on the coding strand, the complement: IQSEC2 is on the minus strand). VCF-style: chrX-53250690-T-C. GRCh37 (hg19) VCF-style: chrX-53279872-T-C.
Other names: c.1271A>G, p.His424Arg (NM_015075.2); short protein forms H424R, H629R.
Identifiers: ClinVar variation 938385 (VCV000938385.10), dbSNP rs2074372604, ClinGen allele CA413162970.

ClinVar aggregate classification (germline): Uncertain significance (1 of 4 stars; one submission).

Conditions:
Intellectual developmental disorder, X-linked 1. Also called: Atkin Flaitz Patil Smith syndrome; MENTAL RETARDATION, X-LINKED 18; MENTAL RETARDATION, X-LINKED 78; Intellectual disability, X-linked 1. Identifiers: Orphanet 777, MedGen C2931498, MONDO:0010656, OMIM 309530.

Submission:

Labcorp Genetics (formerly Invitae), Labcorp
Classification: Uncertain significance for Intellectual developmental disorder, X-linked 1. Last evaluated: 2019-11-11. Review status: criteria provided, single submitter. Criteria: Invitae Variant Classification Sherloc (09022015). Collection method: clinical testing. Allele origin: germline.
Comment: Algorithms developed to predict the effect of missense changes on protein structure and function are either unavailable or do not agree on the potential impact of this missense change (SIFT: "Tolerated"; PolyPhen-2: "Possibly Damaging"; Align-GVGD: "Class C0"). In summary, the available evidence is currently insufficient to determine the role of this variant in disease. Therefore, it has been classified as a Variant of Uncertain Significance. This variant has not been reported in the literature in individuals with IQSEC2-related conditions. This variant is not present in population databases (ExAC no frequency). This sequence change replaces histidine with arginine at codon 629 of the IQSEC2 protein (p.His629Arg). The histidine residue is weakly conserved and there is a small physicochemical difference between histidine and arginine.